The following is an entry in ClinVar:

NM_198578.4(LRRK2):c.4193G>T (p.Arg1398Leu)

Gene: LRRK2 (leucine rich repeat kinase 2; plus strand). Cytogenetic location: 12q12.
Variant type: single nucleotide variant.
Coding change: c.4193G>T on transcript NM_198578.4 (MANE Select); coding-DNA position 4193, G replaced by T.
Protein change: p.Arg1398Leu; replaces arginine 1398 with leucine.
Molecular consequence: missense variant.
Genome position (GRCh38, 1-based): chr12:40,309,109, G>T. VCF-style: chr12-40309109-G-T. GRCh37 (hg19) VCF-style: chr12-40702911-G-T.
Other names: short protein forms R1398L.
Identifiers: ClinVar variation 2165113 (VCV002165113.4), dbSNP rs7133914, ClinGen allele CA6514111.

ClinVar aggregate classification (germline): Uncertain significance (1 of 4 stars; one submission).

Conditions:
Autosomal dominant Parkinson disease 8. Also called: Parkinson disease 8; Parkinson disease 8, susceptibility to; LRRK2-Related Parkinson Disease. Identifiers: Orphanet 411602, MedGen C1846862, MONDO:0011764, OMIM 607060.

gnomAD v4.1: 7 of 1,613,166 alleles (0.00043%); highest among the groups gnomAD compares: African/African-American, 0.0067%; no homozygotes.

Submission:

Labcorp Genetics (formerly Invitae), Labcorp
Classification: Uncertain significance for Autosomal dominant Parkinson disease 8. Last evaluated: 2021-12-29. Review status: criteria provided, single submitter. Criteria: Invitae Variant Classification Sherloc (09022015). Collection method: clinical testing. Allele origin: germline.
Comment: This variant is present in population databases (rs7133914, gnomAD 0.01%). In summary, the available evidence is currently insufficient to determine the role of this variant in disease. Therefore, it has been classified as a Variant of Uncertain Significance. Experimental studies are conflicting or provide insufficient evidence to determine the effect of this variant on LRRK2 function (PMID: 20386743, 23241358, 28453723). Algorithms developed to predict the effect of missense changes on protein structure and function (SIFT, PolyPhen-2, Align-GVGD) all suggest that this variant is likely to be tolerated. This variant has not been reported in the literature in individuals affected with LRRK2-related conditions. This sequence change replaces arginine, which is basic and polar, with leucine, which is neutral and non-polar, at codon 1398 of the LRRK2 protein (p.Arg1398Leu).

Literature cited by the submitters: PubMed 20386743; PubMed 23241358; PubMed 28453723.